The following is an entry in ClinVar:

NM_017636.4(TRPM4):c.1085C>A (p.Thr362Lys)

Gene: TRPM4 (transient receptor potential cation channel subfamily M member 4; plus strand). Cytogenetic location: 19q13.33.
Variant type: single nucleotide variant.
Coding change: c.1085C>A on transcript NM_017636.4 (MANE Select); coding-DNA position 1085, C replaced by A.
Protein change: p.Thr362Lys; replaces threonine 362 with lysine.
Molecular consequence: missense variant. On other transcripts: 5 prime UTR variant (1), intron variant (1).
Genome position (GRCh38, 1-based): chr19:49,172,043, C>A. VCF-style: chr19-49172043-C-A. GRCh37 (hg19) VCF-style: chr19-49675300-C-A.
Other names: c.1085C>A, p.Thr362Lys (NM_001195227.2); c.740C>A, p.Thr247Lys (NM_001321281.2); c.-469C>A (NM_001321282.2); c.563C>A, p.Thr188Lys (NM_001321283.2); c.201+274C>A (NM_001321285.2); short protein forms T188K, T247K, T362K.
Identifiers: ClinVar variation 5031144 (VCV005031144.1).

ClinVar aggregate classification (germline): Uncertain significance (1 of 4 stars; one submission).

Conditions:
Cardiovascular phenotype. Identifiers: MedGen CN230736.

gnomAD v4.1: 2 of 1,614,048 alleles (0.00012%); highest among the groups gnomAD compares: Non-Finnish European, 0.000085%; no homozygotes.

Submission:

Ambry Genetics
Classification: Uncertain significance for Cardiovascular phenotype. Last evaluated: 2026-07-13. Review status: criteria provided, single submitter. Criteria: Ambry Variant Classification Scheme 2023. Collection method: clinical testing. Allele origin: germline.
Comment: The p.T362K variant (also known as c.1085C>A), located in coding exon 9 of the TRPM4 gene, results from a C to A substitution at nucleotide position 1085. The threonine at codon 362 is replaced by lysine, an amino acid with similar properties. This amino acid position is conserved. In addition, the in silico prediction for this alteration is inconclusive. Based on the available evidence, the clinical significance of this variant remains unclear.